The following is an entry in ClinVar:

NM_014014.5(SNRNP200):c.4322A>C (p.Gln1441Pro)

Gene: SNRNP200 (small nuclear ribonucleoprotein U5 subunit 200; minus strand). Cytogenetic location: 2q11.2.
Variant type: single nucleotide variant.
Coding change: c.4322A>C on transcript NM_014014.5 (MANE Select); coding-DNA position 4322, A replaced by C.
Protein change: p.Gln1441Pro; replaces glutamine 1441 with proline.
Molecular consequence: missense variant.
Genome position (GRCh38, 1-based): chr2:96,284,428, T>G on the plus strand (A>C on the coding strand, the complement: SNRNP200 is on the minus strand). VCF-style: chr2-96284428-T-G. GRCh37 (hg19) VCF-style: chr2-96950166-T-G.
Other names: short protein forms Q1441P.
Identifiers: ClinVar variation 2119154 (VCV002119154.4), dbSNP rs2467323414, ClinGen allele CA347667564.

ClinVar aggregate classification (germline): Uncertain significance (1 of 4 stars; one submission).

Submission:

Labcorp Genetics (formerly Invitae), Labcorp
Classification: Uncertain significance. Last evaluated: 2022-03-29. Review status: criteria provided, single submitter. Criteria: Invitae Variant Classification Sherloc (09022015). Collection method: clinical testing. Allele origin: germline.
Comment: This sequence change replaces glutamine, which is neutral and polar, with proline, which is neutral and non-polar, at codon 1441 of the SNRNP200 protein (p.Gln1441Pro). This variant is not present in population databases (gnomAD no frequency). This variant has not been reported in the literature in individuals affected with SNRNP200-related conditions. Algorithms developed to predict the effect of missense changes on protein structure and function (SIFT, PolyPhen-2, Align-GVGD) all suggest that this variant is likely to be disruptive. In summary, the available evidence is currently insufficient to determine the role of this variant in disease. Therefore, it has been classified as a Variant of Uncertain Significance.